The following is an entry in ClinVar:

ClinVar aggregate classification (germline): Pathogenic. Review status: criteria provided, multiple submitters, no conflicts (2 of 4 stars). 2 submissions from 2 submitters: Pathogenic (2). Last evaluated 2023-08-10.

Conditions:
Hereditary cancer-predisposing syndrome. Also called: Hereditary Cancer Syndrome; Hereditary neoplastic syndrome; Neoplastic Syndromes, Hereditary; Tumor predisposition. Identifiers: Orphanet 140162, MedGen C0027672, MeSH D009386, MONDO:0015356.
Lynch syndrome 5 (LYNCH5). Also called: Hereditary non-polyposis colorectal cancer, type 5; Colorectal cancer, hereditary nonpolyposis, type 5. Identifiers: Orphanet 144, MedGen C1833477, MONDO:0013710, OMIM 614350. Disease mechanism: loss of function.

Submissions (2):

Myriad Genetics, Inc.
Classification: Pathogenic for Lynch syndrome 5. Last evaluated: 2023-08-10. Review status: criteria provided, single submitter. Criteria: Myriad Autosomal Dominant, Autosomal Recessive and X-Linked Classification Criteria (2023). Collection method: clinical testing. Allele origin: unknown.
Comment: This variant is considered pathogenic. This variant creates a termination codon and is predicted to result in premature protein truncation.

Ambry Genetics
Classification: Pathogenic for Hereditary cancer-predisposing syndrome. Last evaluated: 2021-08-02. Review status: criteria provided, single submitter. Criteria: Ambry Variant Classification Scheme 2023. Collection method: clinical testing. Allele origin: germline.
Comment: The p.K145* pathogenic mutation (also known as c.433A>T), located in coding exon 2 of the MSH6 gene, results from an A to T substitution at nucleotide position 433. This changes the amino acid from a lysine to a stop codon within coding exon 2. This alteration is expected to result in loss of function by premature protein truncation or nonsense-mediated mRNA decay. As such, this alteration is interpreted as a disease-causing mutation.

NM_000179.3(MSH6):c.433A>T (p.Lys145Ter)

Gene: MSH6 (mutS homolog 6; plus strand). Cytogenetic location: 2p16.3.
Variant type: single nucleotide variant.
Coding change: c.433A>T on transcript NM_000179.3 (MANE Select); coding-DNA position 433, A replaced by T.
Protein change: p.Lys145Ter; replaces lysine 145 with a stop codon.
Molecular consequence: nonsense. On other transcripts: intron variant (1), 5 prime UTR variant (2).
Genome position (GRCh38, 1-based): chr2:47,791,099, A>T. VCF-style: chr2-47791099-A-T. GRCh37 (hg19) VCF-style: chr2-48018238-A-T.
Other names: c.433A>T, p.Lys145Ter (NM_001407362.1, NM_001406796.1, NM_001406798.1 and 6 more transcripts); c.238-7512A>T (NM_001281492.2); c.-304A>T (NM_001281493.2, NM_001406811.1, NM_001406823.1 and 1 more transcripts); c.-470A>T (NM_001281494.2); c.529A>T, p.Lys177Ter (NM_001406795.1, NM_001406802.1); c.136A>T, p.Lys46Ter (NM_001406797.1, NM_001406801.1, NM_001406805.1 and 10 more transcripts); c.355A>T, p.Lys119Ter (NM_001406804.1); c.-496A>T (NM_001406807.1); and 2 more; short protein forms K119*, K177*, K145*, K46*, K89*.
Identifiers: ClinVar variation 1739839 (VCV001739839.3), dbSNP rs2530439801, ClinGen allele CA346737160.